The following is an entry in ClinVar:

NM_000179.3(MSH6):c.2810A>G (p.Tyr937Cys)

Gene: MSH6 (mutS homolog 6; plus strand). Cytogenetic location: 2p16.3.
Variant type: single nucleotide variant.
Coding change: c.2810A>G on transcript NM_000179.3 (MANE Select); coding-DNA position 2810, A replaced by G.
Protein change: p.Tyr937Cys; replaces tyrosine 937 with cysteine.
Molecular consequence: missense variant.
Genome position (GRCh38, 1-based): chr2:47,800,793, A>G. VCF-style: chr2-47800793-A-G. GRCh37 (hg19) VCF-style: chr2-48027932-A-G.
Other names: c.2420A>G, p.Tyr807Cys (NM_001281492.2); c.1904A>G, p.Tyr635Cys (NM_001281493.2, NM_001281494.2); short protein forms Y635C, Y807C, Y937C.
Identifiers: ClinVar variation 821836 (VCV000821836.14), dbSNP rs1572728780, ClinGen allele CA346755624.

ClinVar aggregate classification (germline): Uncertain significance. Review status: criteria provided, multiple submitters, no conflicts (2 of 4 stars). 2 submissions from 2 submitters: Uncertain significance (2). Last evaluated 2021-09-15.

Conditions:
Hereditary nonpolyposis colorectal neoplasms. Identifiers: MedGen C0009405, MeSH D003123.
Hereditary cancer-predisposing syndrome. Also called: Tumor predisposition; Hereditary Cancer Syndrome; Neoplastic Syndromes, Hereditary; Hereditary neoplastic syndrome. Identifiers: Orphanet 140162, MedGen C0027672, MeSH D009386, MONDO:0015356.

Allele frequency attached by ClinVar (database versions not stated): gnomAD exomes below 0.00001; TOPMed below 0.00001.
gnomAD v4.1: 2 of 1,614,166 alleles (0.00012%); highest among the groups gnomAD compares: Non-Finnish European, 0.00017%; no homozygotes.

Submissions (2):

Ambry Genetics
Classification: Uncertain significance for Hereditary cancer-predisposing syndrome. Last evaluated: 2021-09-15. Review status: criteria provided, single submitter. Criteria: Ambry Variant Classification Scheme 2023. Collection method: clinical testing. Allele origin: germline.
Comment: The p.Y937C variant (also known as c.2810A>G), located in coding exon 4 of the MSH6 gene, results from an A to G substitution at nucleotide position 2810. The tyrosine at codon 937 is replaced by cysteine, an amino acid with highly dissimilar properties. This amino acid position is well conserved in available vertebrate species. In addition, this alteration is predicted to be deleterious by in silico analysis. Since supporting evidence is limited at this time, the clinical significance of this alteration remains unclear.

Labcorp Genetics (formerly Invitae), Labcorp
Classification: Uncertain significance for Hereditary nonpolyposis colorectal neoplasms. Last evaluated: 2019-08-29. Review status: criteria provided, single submitter. Criteria: Invitae Variant Classification Sherloc (09022015). Collection method: clinical testing. Allele origin: germline.
Comment: In summary, the available evidence is currently insufficient to determine the role of this variant in disease. Therefore, it has been classified as a Variant of Uncertain Significance. Algorithms developed to predict the effect of missense changes on protein structure and function (SIFT, PolyPhen-2, Align-GVGD) all suggest that this variant is likely to be disruptive, but these predictions have not been confirmed by published functional studies and their clinical significance is uncertain. This variant has not been reported in the literature in individuals with MSH6-related conditions. This variant is not present in population databases (ExAC no frequency). This sequence change replaces tyrosine with cysteine at codon 937 of the MSH6 protein (p.Tyr937Cys). The tyrosine residue is highly conserved and there is a large physicochemical difference between tyrosine and cysteine.